The following is an entry in ClinVar:

NM_005359.6(SMAD4):c.898_904+1dup

Gene: SMAD4 (SMAD family member 4; plus strand). Cytogenetic location: 18q21.2.
Variant type: Duplication.
Coding change: c.898_904+1dup on transcript NM_005359.6 (MANE Select); coding-DNA position 898 through the canonical splice donor site of the intron after coding-DNA position 904, 8 bases duplicated (CATTACTG; older notation c.898_904+1dupCATTACTG).
Molecular consequence: splice donor variant.
Genome position (GRCh38, 1-based): chr18:51,058,450-51,058,457, CATTACTG duplicated. VCF-style (leftmost placement, unchanged base first): chr18-51058449-A-ACATTACTG. GRCh37 (hg19) VCF-style: chr18-48584819-A-ACATTACTG.
Other names: c.898_904+1dupCATTACTG (NM_005359.5).
Identifiers: ClinVar variation 185371 (VCV000185371.5), dbSNP rs1555685974, ClinGen allele CA191750.

ClinVar aggregate classification (germline): Pathogenic (1 of 4 stars; one submission).

Conditions:
Familial thoracic aortic aneurysm and aortic dissection (TAAD). Also called: Thoracic aortic aneurysms and dissections. Identifiers: Orphanet 91387, MedGen C4707243, MONDO:0019625.
Hereditary cancer-predisposing syndrome. Also called: Hereditary neoplastic syndrome; Neoplastic Syndromes, Hereditary; Tumor predisposition; Hereditary Cancer Syndrome. Identifiers: Orphanet 140162, MedGen C0027672, MeSH D009386, MONDO:0015356.

Submission:

Ambry Genetics
Classification: Pathogenic for Hereditary cancer-predisposing syndrome; Familial thoracic aortic aneurysm and aortic dissection. Last evaluated: 2014-07-03. Review status: criteria provided, single submitter. Criteria: Ambry Variant Classification Scheme 2023. Collection method: clinical testing. Allele origin: germline.
Comment: The c.898_904+1dupCATTACTG pathogenic mutation, located in coding exon 6 of the SMAD4 gene, results from a duplication of 8 nucleotides at position 898 to 904+1, causing a translational frameshift with a predicted alternate stop codon. Since frameshifts are typically deleterious in nature, this alteration is interpreted as a disease-causing mutation (ACMG Recommendations for Standards for Interpretation and Reporting of Sequence Variations. Revision 2007. Genet Med. 2008;10:294).